The following is an entry in ClinVar:

ClinVar aggregate classification (germline): Uncertain significance (1 of 4 stars; one submission).

gnomAD v4.1: 5 of 1,613,488 alleles (0.00031%); highest among the groups gnomAD compares: South Asian, 0.0055%; no homozygotes.

Submission:

Labcorp Genetics (formerly Invitae), Labcorp
Classification: Uncertain significance. Last evaluated: 2025-02-03. Review status: criteria provided, single submitter. Criteria: Invitae Variant Classification Sherloc (09022015). Collection method: clinical testing. Allele origin: germline.
Comment: This sequence change replaces valine, which is neutral and non-polar, with alanine, which is neutral and non-polar, at codon 226 of the SAG protein (p.Val226Ala). This variant is not present in population databases (gnomAD no frequency). This variant has not been reported in the literature in individuals affected with SAG-related conditions. Invitae Evidence Modeling of protein sequence and biophysical properties (such as structural, functional, and spatial information, amino acid conservation, physicochemical variation, residue mobility, and thermodynamic stability) indicates that this missense variant is not expected to disrupt SAG protein function with a negative predictive value of 80%. In summary, the available evidence is currently insufficient to determine the role of this variant in disease. Therefore, it has been classified as a Variant of Uncertain Significance.

NM_000541.5(SAG):c.677T>C (p.Val226Ala)

Gene: SAG (S-antigen visual arrestin; plus strand). Cytogenetic location: 2q37.1.
Variant type: single nucleotide variant.
Coding change: c.677T>C on transcript NM_000541.5 (MANE Select); coding-DNA position 677, T replaced by C.
Protein change: p.Val226Ala; replaces valine 226 with alanine.
Molecular consequence: missense variant.
Genome position (GRCh38, 1-based): chr2:233,329,521, T>C. VCF-style: chr2-233329521-T-C. GRCh37 (hg19) VCF-style: chr2-234238167-T-C.
Other names: short protein forms V226A.
Identifiers: ClinVar variation 4772586 (VCV004772586.1).